The following is an entry in ClinVar:

NM_001943.5(DSG2):c.1551A>G (p.Ala517=)

Gene: DSG2 (desmoglein 2; plus strand). Cytogenetic location: 18q12.1.
Variant type: single nucleotide variant.
Coding change: c.1551A>G on transcript NM_001943.5 (MANE Select); coding-DNA position 1551, A replaced by G.
Protein change: p.Ala517=; no amino-acid change (alanine 517 retained).
Molecular consequence: synonymous variant.
Genome position (GRCh38, 1-based): chr18:31,536,329, A>G. VCF-style: chr18-31536329-A-G. GRCh37 (hg19) VCF-style: chr18-29116292-A-G.
Identifiers: ClinVar variation 3069971 (VCV003069971.1), dbSNP rs2510917916, ClinGen allele CA503600739.

ClinVar aggregate classification (germline): Likely benign (1 of 4 stars; one submission).

Conditions:
Arrhythmogenic right ventricular cardiomyopathy (ARVD). Also called: Arrhythmogenic right ventricular dysplasia; Cardiomyopathy, ARVC; Arrhythmogenic cardiomyopathy; Arrhythmogenic Right Ventricular Cardiomyopathy (ARVC). Identifiers: Orphanet 247, MedGen C0349788, MeSH D019571, MONDO:0016587. Disease mechanism: loss of function. Inheritance: Various modes of inheritance.

Submission:

All of Us Research Program, National Institutes of Health
Classification: Likely benign for Arrhythmogenic right ventricular cardiomyopathy. Last evaluated: 2023-03-23. Review status: criteria provided, single submitter. Criteria: ACMG Guidelines, 2015. Collection method: clinical testing. Allele origin: germline. Inheritance: Autosomal dominant inheritance. Observed: 1 variant allele, 1 heterozygote.
Comment: This study involves interpretation of variants in research participants for the purpose of population health screening. Participant phenotype was not available at the time of variant classification. Additional details can be found in publication PMID: 35346344, PMCID: PMC8962531